The following is an entry in ClinVar:

NM_000548.5(TSC2):c.3983G>T (p.Arg1328Met)

Gene: TSC2 (TSC complex subunit 2; plus strand). Cytogenetic location: 16p13.3.
Variant type: single nucleotide variant.
Coding change: c.3983G>T on transcript NM_000548.5 (MANE Select); coding-DNA position 3983, G replaced by T.
Protein change: p.Arg1328Met; replaces arginine 1328 with methionine.
Molecular consequence: missense variant.
Genome position (GRCh38, 1-based): chr16:2,083,794, G>T. VCF-style: chr16-2083794-G-T. GRCh37 (hg19) VCF-style: chr16-2133795-G-T.
Other names: c.3782G>T, p.Arg1261Met (NM_001077183.3); c.3914G>T, p.Arg1305Met (NM_001114382.3); c.3674G>T, p.Arg1225Met (NM_001318827.2); c.3638G>T, p.Arg1213Met (NM_001318829.2); c.3251G>T, p.Arg1084Met (NM_001318831.2); c.3815G>T, p.Arg1272Met (NM_001318832.2); c.3785G>T, p.Arg1262Met (NM_001363528.2); c.3851G>T, p.Arg1284Met (NM_001370404.1); and 1 more; short protein forms R1262M, R1272M, R1305M, R1328M, R1225M, R1261M, R1284M, R1285M.
Identifiers: ClinVar variation 1366794 (VCV001366794.6), dbSNP rs112885324, ClinGen allele CA394297663.

ClinVar aggregate classification (germline): Uncertain significance (1 of 4 stars; one submission).

Conditions:
Tuberous sclerosis 2 (TSC2). Identifiers: Orphanet 805, MedGen C1860707, MONDO:0013199, OMIM 613254.

Submission:

Labcorp Genetics (formerly Invitae), Labcorp
Classification: Uncertain significance for Tuberous sclerosis 2. Last evaluated: 2021-07-12. Review status: criteria provided, single submitter. Criteria: Invitae Variant Classification Sherloc (09022015). Collection method: clinical testing. Allele origin: germline.
Comment: This sequence change replaces arginine with methionine at codon 1328 of the TSC2 protein (p.Arg1328Met). The arginine residue is moderately conserved and there is a moderate physicochemical difference between arginine and methionine. This variant is not present in population databases (ExAC no frequency). This variant has not been reported in the literature in individuals affected with TSC2-related conditions. Advanced modeling of protein sequence and biophysical properties (such as structural, functional, and spatial information, amino acid conservation, physicochemical variation, residue mobility, and thermodynamic stability) performed at Invitae indicates that this missense variant is not expected to disrupt TSC2 protein function. In summary, the available evidence is currently insufficient to determine the role of this variant in disease. Therefore, it has been classified as a Variant of Uncertain Significance.